The following is an entry in ClinVar:

NM_025077.4(TOE1):c.940C>G (p.Gln314Glu)

Gene: TOE1 (target of EGR1, exonuclease; plus strand). Cytogenetic location: 1p34.1.
Variant type: single nucleotide variant.
Coding change: c.940C>G on transcript NM_025077.4 (MANE Select); coding-DNA position 940, C replaced by G.
Protein change: p.Gln314Glu; replaces glutamine 314 with glutamic acid.
Molecular consequence: missense variant.
Genome position (GRCh38, 1-based): chr1:45,343,109, C>G. VCF-style: chr1-45343109-C-G. GRCh37 (hg19) VCF-style: chr1-45808781-C-G.
Other names: short protein forms Q314E.
Identifiers: ClinVar variation 1474361 (VCV001474361.10), dbSNP rs555185290, ClinGen allele CA826738.

ClinVar aggregate classification (germline): Uncertain significance. Review status: criteria provided, multiple submitters, no conflicts (2 of 4 stars). 2 submissions from 2 submitters: Uncertain significance (2). Last evaluated 2021-10-17.

Conditions:
Pontocerebellar hypoplasia type 7. Identifiers: Orphanet 284339, MedGen C3554226, MONDO:0013993, OMIM 614969.

Allele frequency attached by ClinVar (database versions not stated): 1000 Genomes Project 30x 0.00016; 1000 Genomes Project 0.00020; TOPMed below 0.00001; gnomAD 0.00003.

Submissions (2):

Revvity Omics, Revvity
Classification: Uncertain significance for Pontocerebellar hypoplasia type 7. Last evaluated: 2021-10-17. Review status: criteria provided, single submitter. Criteria: ACMG Guidelines, 2015. Collection method: clinical testing. Allele origin: germline.

Labcorp Genetics (formerly Invitae), Labcorp
Classification: Uncertain significance. Last evaluated: 2021-07-25. Review status: criteria provided, single submitter. Criteria: Invitae Variant Classification Sherloc (09022015). Collection method: clinical testing. Allele origin: germline.
Comment: This sequence change replaces glutamine with glutamic acid at codon 314 of the TOE1 protein (p.Gln314Glu). The glutamine residue is moderately conserved and there is a small physicochemical difference between glutamine and glutamic acid. In summary, the available evidence is currently insufficient to determine the role of this variant in disease. Therefore, it has been classified as a Variant of Uncertain Significance. Algorithms developed to predict the effect of sequence changes on RNA splicing suggest that this variant may create or strengthen a splice site. Algorithms developed to predict the effect of missense changes on protein structure and function (SIFT, PolyPhen-2, Align-GVGD) all suggest that this variant is likely to be tolerated. This variant has not been reported in the literature in individuals affected with TOE1-related conditions. This variant is present in population databases (rs555185290, ExAC 0.02%).